The following is an entry in ClinVar:

ClinVar aggregate classification (germline): Benign (1 of 4 stars; one submission).

Conditions:
Mitochondrial complex I deficiency, nuclear type 1. Also called: NADH-COENZYME Q REDUCTASE DEFICIENCY; MITOCHONDRIAL NADH DEHYDROGENASE COMPONENT OF COMPLEX I, DEFICIENCY OF. Identifiers: MedGen C6022305, MONDO:0100224, OMIM 252010.

Allele frequency attached by ClinVar (database versions not stated): gnomAD exomes 0.87106; gnomAD 0.90137 and 0.90261; TOPMed 0.90682; 1000 Genomes Project 0.93411; 1000 Genomes Project 30x 0.93457.
gnomAD v4.1: 168,077 of 187,490 alleles (90%); highest among the groups gnomAD compares: East Asian, 100%; 75,533 homozygotes.

Submission:

Illumina Laboratory Services, Illumina
Classification: Benign for Mitochondrial complex I deficiency, nuclear type 1. Last evaluated: 2018-01-12. Review status: criteria provided, single submitter. Criteria: ICSL Variant Classification Criteria 13 December 2019. Collection method: clinical testing. Allele origin: germline.
Comment: This variant was observed in the ICSL laboratory as part of a predisposition screen in an ostensibly healthy population. It had not been previously curated by ICSL or reported in the Human Gene Mutation Database (HGMD: prior to June 1st, 2018), and was therefore a candidate for classification through an automated scoring system. Utilizing variant allele frequency, disease prevalence and penetrance estimates, and inheritance mode, an automated score was calculated to assess if this variant is too frequent to cause the disease. Based on the score and internal cut-off values, a variant classified as benign is not then subjected to further curation. The score for this variant resulted in a classification of benign for this disease.

NM_014165.4(NDUFAF4):c.*382T>A

Gene: NDUFAF4 (NADH:ubiquinone oxidoreductase complex assembly factor 4; minus strand). Cytogenetic location: 6q16.1.
Variant type: single nucleotide variant.
Coding change: c.*382T>A on transcript NM_014165.4 (MANE Select); 382 bases downstream of the stop codon, T replaced by A.
Molecular consequence: 3 prime UTR variant.
Genome position (GRCh38, 1-based): chr6:96,890,722, A>T on the plus strand (T>A on the coding strand, the complement: NDUFAF4 is on the minus strand). VCF-style: chr6-96890722-A-T. GRCh37 (hg19) VCF-style: chr6-97338598-A-T.
Identifiers: ClinVar variation 358264 (VCV000358264.5), dbSNP rs1971475, ClinGen allele CA10624888.